The following is an entry in ClinVar:

ClinVar aggregate classification (germline): Uncertain significance (1 of 4 stars; one submission).

Conditions:
Mitochondrial DNA depletion syndrome 13. Also called: FBXL4-Related Encephalomyopathic Mitochondrial DNA Depletion Syndrome; Mitochondrial DNA depletion syndrome 13 (encephalomyopathic type). Identifiers: Orphanet 369897, MedGen C3809592, MONDO:0014198, OMIM 615471.

Submission:

Wong Mito Lab, Molecular and Human Genetics, Baylor College of Medicine
Classification: Uncertain significance for Mitochondrial DNA depletion syndrome 13. Last evaluated: 2017-08-10. Review status: criteria provided, single submitter. Criteria: ACMG Guidelines, 2015. Collection method: reference population. Allele origin: germline.
Comment: The NM_012160.4:c.*3_*5delinsCAG () [GRCH38: NC_000006.12:g.98874273_98874275delinsCTG] variant in FBXL4 gene is interpretated to be a Uncertain Significance - Conflicting Evidence based on ACMG guidelines (PMID: 25741868). This variant meets one or more of the following evidence codes reported in the ACMG-guideline. PM2:This variant is absent in key population databases. BP4:Computational evidence/predictors indicate no impact on the FBXL4 structure, function, or protein-protein interaction. Based on this evidence code ClinGen Pathogenicity Calculator (PMID:28081714) suggested that the variant is Uncertain Significance - Conflicting Evidence.

NM_001278716.2(FBXL4):c.*3_*5delinsCAG

Gene: FBXL4 (F-box and leucine rich repeat protein 4; minus strand). Cytogenetic location: 6q16.1.
Variant type: Indel.
Coding change: c.*3_*5delinsCAG on transcript NM_001278716.2 (MANE Select); 3 bases downstream of the stop codon through 5 bases downstream of the stop codon, TAA replaced by CAG.
Molecular consequence: 3 prime UTR variant. On other transcripts: non-coding transcript variant (1).
Genome position (GRCh38, 1-based): chr6:98,874,273-98,874,275, TTA replaced by CTG on the plus strand (TAA replaced by CAG on the coding strand, the reverse complement: FBXL4 is on the minus strand). VCF-style: chr6-98874273-TTA-CTG. GRCh37 (hg19) VCF-style: chr6-99322149-TTA-CTG.
Identifiers: ClinVar variation 437828 (VCV000437828.1), dbSNP rs386704156, ClinGen allele CA16020682.